The following is an entry in ClinVar:

NM_001376.5(DYNC1H1):c.4079G>A (p.Arg1360Gln)

Gene: DYNC1H1 (dynein cytoplasmic 1 heavy chain 1; plus strand). Cytogenetic location: 14q32.31.
Variant type: single nucleotide variant.
Coding change: c.4079G>A on transcript NM_001376.5 (MANE Select); coding-DNA position 4079, G replaced by A.
Protein change: p.Arg1360Gln; replaces arginine 1360 with glutamine.
Molecular consequence: missense variant.
Genome position (GRCh38, 1-based): chr14:102,000,958, G>A. VCF-style: chr14-102000958-G-A. GRCh37 (hg19) VCF-style: chr14-102467295-G-A.
Other names: short protein forms R1360Q.
Identifiers: ClinVar variation 3007659 (VCV003007659.3), dbSNP rs2503729373, ClinGen allele CA391039537.

ClinVar aggregate classification (germline): Uncertain significance (1 of 4 stars; one submission).

Conditions:
Charcot-Marie-Tooth disease axonal type 2O. Also called: Charcot-Marie-Tooth disease, axonal, type 20; CHARCOT-MARIE-TOOTH NEUROPATHY, AXONAL, TYPE 2O; CHARCOT-MARIE-TOOTH DISEASE, AXONAL, AUTOSOMAL DOMINANT, TYPE 2O; Charcot-Marie-Tooth Neuropathy Type 2O. Identifiers: Orphanet 284232, MedGen C3280220, MONDO:0013644, OMIM 614228.

Submission:

Labcorp Genetics (formerly Invitae), Labcorp
Classification: Uncertain significance for Charcot-Marie-Tooth disease axonal type 2O. Last evaluated: 2023-12-22. Review status: criteria provided, single submitter. Criteria: Invitae Variant Classification Sherloc (09022015). Collection method: clinical testing. Allele origin: germline.
Comment: This sequence change replaces arginine, which is basic and polar, with glutamine, which is neutral and polar, at codon 1360 of the DYNC1H1 protein (p.Arg1360Gln). This variant is not present in population databases (gnomAD no frequency). This variant has not been reported in the literature in individuals affected with DYNC1H1-related conditions. Advanced modeling of protein sequence and biophysical properties (such as structural, functional, and spatial information, amino acid conservation, physicochemical variation, residue mobility, and thermodynamic stability) performed at Invitae indicates that this missense variant is expected to disrupt DYNC1H1 protein function with a positive predictive value of 95%. In summary, the available evidence is currently insufficient to determine the role of this variant in disease. Therefore, it has been classified as a Variant of Uncertain Significance.